The following is an entry in ClinVar:

ClinVar aggregate classification (germline): Pathogenic/Likely pathogenic. Review status: criteria provided, multiple submitters, no conflicts (2 of 4 stars). 4 submissions from 4 submitters: Pathogenic (1); Likely pathogenic (2). 1 of the submissions does not count toward it. Last evaluated 2023-07-07.

Conditions:
PRPH2-related disorder. Also called: PRPH2-related condition; PRPH2-related disorders. Identifiers: MedGen CN239395.
Retinal dystrophy. Also called: Inherited retinal dystrophy. Identifiers: Orphanet 71862, MedGen C0854723, MeSH D058499, MONDO:0019118, HP:0000556.

Submissions (4):

Labcorp Genetics (formerly Invitae), Labcorp
Classification: Pathogenic for PRPH2-related disorder. Last evaluated: 2023-07-07. Review status: criteria provided, single submitter. Criteria: Invitae Variant Classification Sherloc (09022015). Collection method: clinical testing. Allele origin: germline.
Comment: ClinVar contains an entry for this variant (Variation ID: 1067308). For these reasons, this variant has been classified as Pathogenic. This variant disrupts the p.Val209 amino acid residue in PRPH2. Other variant(s) that disrupt this residue have been observed in individuals with PRPH2-related conditions (PMID: 20213611, 28041643), which suggests that this may be a clinically significant amino acid residue. Advanced modeling of protein sequence and biophysical properties (such as structural, functional, and spatial information, amino acid conservation, physicochemical variation, residue mobility, and thermodynamic stability) performed at Invitae indicates that this missense variant is expected to disrupt PRPH2 protein function. This missense change has been observed in individuals with cone-rod dystrophy, macular dystrophy, and/or retinitis pigmentosa (PMID: 29555955, 34399712). This variant is not present in population databases (gnomAD no frequency). This sequence change replaces valine, which is neutral and non-polar, with aspartic acid, which is acidic and polar, at codon 209 of the PRPH2 protein (p.Val209Asp).

Blueprint Genetics
Classification: Likely pathogenic for PRPH2-related disorders. Last evaluated: 2022-02-08. Review status: criteria provided, single submitter. Criteria: ACMG Guidelines, 2015. Collection method: clinical testing. Allele origin: germline. Affected: yes. Observed: 1 variant allele.

Institute of Human Genetics, Univ. Regensburg, Univ. Regensburg
Classification: Likely pathogenic for Retinal dystrophy. Last evaluated: 2021-01-01. Review status: criteria provided, single submitter. Criteria: ACMG Guidelines, 2015. Collection method: clinical testing. Allele origin: germline. Affected: yes.

Leiden Open Variation Database
Classification: Pathogenic. Last evaluated: 2021-02-14. Review status: no assertion criteria provided. Collection method: curation. Allele origin: germline. Affected: yes. Not counted in ClinVar's aggregate classification.
Comment: Curator: Global Variome, with Curator vacancy. Submitter to LOVD: LOVD.

Literature cited by the submitters: PubMed 20213611 (cited by Labcorp Genetics (formerly Invitae), Labcorp); PubMed 28041643 (cited by Labcorp Genetics (formerly Invitae), Labcorp); PubMed 29555955 (cited by 3 submitters); PubMed 34399712 (cited by Labcorp Genetics (formerly Invitae), Labcorp and Institute of Human Genetics, Univ. Regensburg, Univ. Regensburg); PubMed 34411390 (cited by Institute of Human Genetics, Univ. Regensburg, Univ. Regensburg).

NM_000322.5(PRPH2):c.626T>A (p.Val209Asp)

Gene: PRPH2 (peripherin 2; minus strand). Cytogenetic location: 6p21.1.
Variant type: single nucleotide variant.
Coding change: c.626T>A on transcript NM_000322.5 (MANE Select); coding-DNA position 626, T replaced by A.
Protein change: p.Val209Asp; replaces valine 209 with aspartic acid.
Molecular consequence: missense variant.
Genome position (GRCh38, 1-based): chr6:42,704,567, A>T on the plus strand (T>A on the coding strand, the complement: PRPH2 is on the minus strand). VCF-style: chr6-42704567-A-T. GRCh37 (hg19) VCF-style: chr6-42672305-A-T.
Other names: short protein forms V209D.
Identifiers: ClinVar variation 1067308 (VCV001067308.12), dbSNP rs1220783333, ClinGen allele CA364135644.